The following is an entry in ClinVar:

NM_000478.6(ALPL):c.940G>T (p.Val314Leu)

Gene: ALPL (alkaline phosphatase, biomineralization associated; plus strand). Cytogenetic location: 1p36.12.
Variant type: single nucleotide variant.
Coding change: c.940G>T on transcript NM_000478.6 (MANE Select); coding-DNA position 940, G replaced by T.
Protein change: p.Val314Leu; replaces valine 314 with leucine.
Molecular consequence: missense variant.
Genome position (GRCh38, 1-based): chr1:21,573,742, G>T. VCF-style: chr1-21573742-G-T. GRCh37 (hg19) VCF-style: chr1-21900235-G-T.
Other names: c.775G>T, p.Val259Leu (NM_001127501.4); c.709G>T, p.Val237Leu (NM_001177520.3); c.940G>T, p.Val314Leu (NM_001369803.2, NM_001369804.2, NM_001369805.2); short protein forms V314L, V237L, V259L.
Identifiers: ClinVar variation 2823270 (VCV002823270.3), dbSNP rs2545334815, ClinGen allele CA338880327.

ClinVar aggregate classification (germline): Uncertain significance (1 of 4 stars; one submission).

Submission:

Labcorp Genetics (formerly Invitae), Labcorp
Classification: Uncertain significance. Last evaluated: 2023-01-08. Review status: criteria provided, single submitter. Criteria: Invitae Variant Classification Sherloc (09022015). Collection method: clinical testing. Allele origin: germline.
Comment: In summary, the available evidence is currently insufficient to determine the role of this variant in disease. Therefore, it has been classified as a Variant of Uncertain Significance. Advanced modeling of protein sequence and biophysical properties (such as structural, functional, and spatial information, amino acid conservation, physicochemical variation, residue mobility, and thermodynamic stability) has been performed at Invitae for this missense variant, however the output from this modeling did not meet the statistical confidence thresholds required to predict the impact of this variant on ALPL protein function. This variant has not been reported in the literature in individuals affected with ALPL-related conditions. This variant is not present in population databases (gnomAD no frequency). This sequence change replaces valine, which is neutral and non-polar, with leucine, which is neutral and non-polar, at codon 314 of the ALPL protein (p.Val314Leu).